The following is an entry in ClinVar:

ClinVar aggregate classification (germline): Conflicting classifications of pathogenicity. Review status: criteria provided, conflicting classifications (1 of 4 stars). 5 submissions from 4 submitters: Uncertain significance (3); Likely benign (2). Last evaluated 2025-10-17.

Conditions:
Schwartz-Jampel syndrome. Also called: Myotonic myopathy dwarfism chondrodystrophy and ocular and facial abnormalities. Identifiers: Orphanet 800, MedGen C0036391, MONDO:0009717.
Inborn genetic diseases. Identifiers: MedGen C0950123, MeSH D030342.
Lethal Kniest-like syndrome (DDSH). Also called: Dyssegmental Dysplasia. Identifiers: Orphanet 1865, MedGen C1857100, MONDO:0009140, OMIM 224410.

Allele frequency attached by ClinVar (database versions not stated): ExAC below 0.00001; TOPMed 0.00002; gnomAD 0.00003 and 0.00005; gnomAD exomes 0.00003 and 0.00013; ESP Exome Variant Server 0.00008; 1000 Genomes Project 30x 0.00016; 1000 Genomes Project 0.00020.
gnomAD v4.1: 184 of 1,551,046 alleles (0.012%); highest among the groups gnomAD compares: East Asian, 0.35%; 1 homozygote.

Submissions (5):

Athena Diagnostics
Classification: Likely benign. Last evaluated: 2025-10-17. Review status: criteria provided, single submitter. Criteria: Athena Diagnostics Criteria. Collection method: clinical testing. Allele origin: unknown.
Comment: The frequency of this variant in the general population is higher than would generally be expected for pathogenic variants in this gene. Computational tools predict this amino acid change may be benign.

Ambry Genetics
Classification: Likely benign for Inborn genetic diseases. Last evaluated: 2022-09-06. Review status: criteria provided, single submitter. Criteria: Ambry Variant Classification Scheme 2023. Collection method: clinical testing. Allele origin: germline.

Labcorp Genetics (formerly Invitae), Labcorp
Classification: Uncertain significance. Last evaluated: 2020-12-23. Review status: criteria provided, single submitter. Criteria: Invitae Variant Classification Sherloc (09022015). Collection method: clinical testing. Allele origin: germline.
Comment: In summary, the available evidence is currently insufficient to determine the role of this variant in disease. Therefore, it has been classified as a Variant of Uncertain Significance. Algorithms developed to predict the effect of missense changes on protein structure and function output the following: SIFT: "Tolerated"; PolyPhen-2: "Benign"; Align-GVGD: "Class C0". The histidine amino acid residue is found in multiple mammalian species, suggesting that this missense change does not adversely affect protein function. These predictions have not been confirmed by published functional studies and their clinical significance is uncertain. This variant has not been reported in the literature in individuals with HSPG2-related conditions. ClinVar contains an entry for this variant (Variation ID: 875572). The frequency data for this variant in the population databases is considered unreliable, as metrics indicate poor data quality at this position in the ExAC database. This sequence change replaces arginine with histidine at codon 4074 of the HSPG2 protein (p.Arg4074His). The arginine residue is weakly conserved and there is a small physicochemical difference between arginine and histidine.

Illumina Laboratory Services, Illumina
Classification: Uncertain significance for Schwartz-Jampel syndrome type 1. Last evaluated: 2018-01-13. Review status: criteria provided, single submitter. Criteria: ICSL Variant Classification Criteria 13 December 2019. Collection method: clinical testing. Allele origin: germline.

Illumina Laboratory Services, Illumina
Classification: Uncertain significance for Lethal Kniest-like syndrome. Last evaluated: 2018-01-13. Review status: criteria provided, single submitter. Criteria: ICSL Variant Classification Criteria 13 December 2019. Collection method: clinical testing. Allele origin: germline.

NM_005529.7(HSPG2):c.12221G>A (p.Arg4074His)

Gene: HSPG2 (heparan sulfate proteoglycan 2; minus strand). Cytogenetic location: 1p36.12.
Variant type: single nucleotide variant.
Coding change: c.12221G>A on transcript NM_005529.7 (MANE Select); coding-DNA position 12221, G replaced by A.
Protein change: p.Arg4074His; replaces arginine 4074 with histidine.
Molecular consequence: missense variant.
Genome position (GRCh38, 1-based): chr1:21,828,851, C>T on the plus strand (G>A on the coding strand, the complement: HSPG2 is on the minus strand). VCF-style: chr1-21828851-C-T. GRCh37 (hg19) VCF-style: chr1-22155344-C-T.
Other names: c.12221G>A (NM_005529.6); c.12224G>A, p.Arg4075His (NM_001291860.2); short protein forms R4074H, R4075H.
Identifiers: ClinVar variation 875572 (VCV000875572.13), dbSNP rs376190109, ClinGen allele CA669498.